The following is an entry in ClinVar:

ClinVar aggregate classification (germline): Pathogenic. Review status: criteria provided, multiple submitters, no conflicts (2 of 4 stars). 8 submissions from 8 submitters: Pathogenic (8). Last evaluated 2025-10-23.

Conditions:
Congenital dyserythropoietic anemia, type II (CDAN2). Also called: DYSERYTHROPOIETIC ANEMIA, HEMPAS TYPE. Identifiers: Orphanet 98873, MedGen C1306589, MONDO:0009134, OMIM 224100.
Cowden syndrome 7 (CWS7). Identifiers: Orphanet 201, MedGen C4225179, MONDO:0014802, OMIM 616858.
SEC23B-related disorder. Also called: SEC23B-related disorders; SEC23B-related condition.

Allele frequency attached by ClinVar (database versions not stated): TOPMed 0.00001; gnomAD 0.00003.

Submissions (8):

Labcorp Genetics (formerly Invitae), Labcorp
Classification: Pathogenic for Congenital dyserythropoietic anemia, type II; Cowden syndrome 7. Last evaluated: 2025-10-23. Review status: criteria provided, single submitter. Criteria: Invitae Variant Classification Sherloc (09022015). Collection method: clinical testing. Allele origin: germline.
Comment: This sequence change affects a donor splice site in intron 6 of the SEC23B gene. It is expected to disrupt RNA splicing. Variants that disrupt the donor or acceptor splice site typically lead to a loss of protein function (PMID: 16199547), and loss-of-function variants in SEC23B are known to be pathogenic (PMID: 19561605, 25044164). This variant is present in population databases (rs398124226, gnomAD 0.005%). Disruption of this splice site has been observed in individuals with congenital dyserythropoietic anemia type II (PMID: 19561605, 19621418). ClinVar contains an entry for this variant (Variation ID: 95389). Algorithms developed to predict the effect of sequence changes on RNA splicing suggest that this variant may disrupt the consensus splice site. For these reasons, this variant has been classified as Pathogenic.

Revvity Omics, Revvity
Classification: Pathogenic. Last evaluated: 2024-08-05. Review status: criteria provided, single submitter. Criteria: ACMG Guidelines, 2015. Collection method: clinical testing. Allele origin: germline.

Fulgent Genetics
Classification: Pathogenic for Congenital dyserythropoietic anemia, type II; Cowden syndrome 7. Last evaluated: 2024-05-02. Review status: criteria provided, single submitter. Criteria: ACMG Guidelines, 2015. Collection method: clinical testing. Allele origin: germline.

Blueprint Genetics
Classification: Pathogenic for SEC23B-related disorders. Last evaluated: 2023-08-23. Review status: criteria provided, single submitter. Criteria: ACMG Guidelines, 2015. Collection method: clinical testing. Allele origin: germline. Affected: yes. Observed: 1 variant allele.

Department of Pathology and Laboratory Medicine, Sinai Health System
Classification: Pathogenic for Congenital dyserythropoietic anemia, type II. Last evaluated: 2022-10-03. Review status: criteria provided, single submitter. Criteria: ACMG Guidelines, 2015. Collection method: research. Allele origin: germline.

MGZ Medical Genetics Center
Classification: Pathogenic for Cowden syndrome 7. Last evaluated: 2021-08-20. Review status: criteria provided, single submitter. Criteria: ACMG Guidelines, 2015. Collection method: clinical testing. Allele origin: germline. Affected: yes. Observed: 1 variant allele.
Comment: ACMG criteria applied: PVS1, PM2_SUP, PP3

Centre for Mendelian Genomics, University Medical Centre Ljubljana
Classification: Pathogenic for Congenital dyserythropoietic anemia, type II. Last evaluated: 2019-04-02. Review status: criteria provided, single submitter. Criteria: ACMG Guidelines, 2015. Collection method: clinical testing. Allele origin: unknown. Affected: yes.
Comment: This variant was classified as: Pathogenic. The following ACMG criteria were applied in classifying this variant: PVS1,PS1,PM2,PM3.

Eurofins Ntd Llc (ga)
Classification: Pathogenic. Last evaluated: 2012-09-05. Review status: criteria provided, single submitter. Criteria: EGL Classification Definitions 2015. Collection method: clinical testing. Allele origin: germline. Observed: 2 variant alleles, 2 heterozygotes.

Literature cited by the submitters: PubMed 16199547 (cited by Labcorp Genetics (formerly Invitae), Labcorp); PubMed 19561605 (cited by Labcorp Genetics (formerly Invitae), Labcorp); PubMed 25044164 (cited by Labcorp Genetics (formerly Invitae), Labcorp); PubMed 19621418 (cited by Labcorp Genetics (formerly Invitae), Labcorp).

NM_006363.6(SEC23B):c.689+1G>A

Genes: SEC23B (SEC23 homolog B, COPII component; plus strand), LOC126862987 (MED14-independent group 3 enhancer GRCh37_chr20:18504796-18505995; plus strand). Cytogenetic location: 20p11.23.
Variant type: single nucleotide variant.
Coding change: c.689+1G>A on transcript NM_006363.6 (MANE Select); the canonical splice donor site of the intron after coding-DNA position 689, G replaced by A.
Molecular consequence: splice donor variant.
Genome position (GRCh38, 1-based): chr20:18,525,021, G>A. VCF-style: chr20-18525021-G-A. GRCh37 (hg19) VCF-style: chr20-18505665-G-A.
Other names: c.689+1G>A (NM_032986.5, NM_001172745.3, NM_032985.6); c.635+1G>A (NM_001172746.3).
Identifiers: ClinVar variation 95389 (VCV000095389.23), dbSNP rs398124226, ClinGen allele CA222943.